The following is an entry in ClinVar:

ClinVar aggregate classification (germline): Uncertain significance (1 of 4 stars; one submission).

Conditions:
RASopathy. Also called: rasopathies; Noonan spectrum disorder. Identifiers: Orphanet 536391, MedGen C5555857, MONDO:0021060.

Allele frequency attached by ClinVar (database versions not stated): gnomAD exomes below 0.00001.
gnomAD v4.1: 2 of 1,612,726 alleles (0.00012%); highest among the groups gnomAD compares: African/African-American, 0.0013%; no homozygotes.

Submission:

Labcorp Genetics (formerly Invitae), Labcorp
Classification: Uncertain significance for RASopathy. Last evaluated: 2025-04-22. Review status: criteria provided, single submitter. Criteria: Invitae Variant Classification Sherloc (09022015). Collection method: clinical testing. Allele origin: germline.
Comment: This sequence change falls in intron 12 of the BRAF gene. It does not directly change the encoded amino acid sequence of the BRAF protein. It affects a nucleotide within the consensus splice site. This variant is not present in population databases (gnomAD no frequency). This variant has not been reported in the literature in individuals affected with BRAF-related conditions. ClinVar contains an entry for this variant (Variation ID: 2917295). Variants that disrupt the consensus splice site are a relatively common cause of aberrant splicing (PMID: 17576681, 9536098). Algorithms developed to predict the effect of sequence changes on RNA splicing suggest that this variant is not likely to affect RNA splicing. In summary, the available evidence is currently insufficient to determine the role of this variant in disease. Therefore, it has been classified as a Variant of Uncertain Significance.

Literature cited by the submitters: PubMed 17576681; PubMed 9536098.

NM_004333.6(BRAF):c.1517+6C>T

Gene: BRAF (B-Raf proto-oncogene, serine/threonine kinase; minus strand). Cytogenetic location: 7q34.
Variant type: single nucleotide variant.
Coding change: c.1517+6C>T on transcript NM_004333.6 (MANE Select); 6 bases into the intron after coding-DNA position 1517, C replaced by T.
Molecular consequence: intron variant.
Genome position (GRCh38, 1-based): chr7:140,777,985, G>A on the plus strand (C>T on the coding strand, the complement: BRAF is on the minus strand). VCF-style: chr7-140777985-G-A. GRCh37 (hg19) VCF-style: chr7-140477785-G-A.
Other names: c.1517+6C>T (NM_001378474.1, NM_001378468.1, NM_001354609.2); c.1415+6C>T (NM_001378470.1); c.1253+6C>T (NM_001378475.1); c.1406+6C>T (NM_001378471.1); c.1637+6C>T (NM_001374258.1, NM_001374244.1); c.1526+6C>T (NM_001378467.1); c.1361+6C>T (NM_001378472.1, NM_001378473.1); c.1451+6C>T (NM_001378469.1).
Identifiers: ClinVar variation 2917295 (VCV002917295.3), dbSNP rs2129019459, ClinGen allele CA2685241131.